The following is an entry in ClinVar:

NM_172245.4(CSF2RA):c.436C>T (p.Arg146Cys)

Gene: CSF2RA (colony stimulating factor 2 receptor subunit alpha; plus strand). Cytogenetic location: Xp22.33.
Variant type: single nucleotide variant.
Coding change: c.436C>T on transcript NM_172245.4 (MANE Select); coding-DNA position 436, C replaced by T.
Protein change: p.Arg146Cys; replaces arginine 146 with cysteine.
Molecular consequence: missense variant. On other transcripts: non-coding transcript variant (1).
Genome position (GRCh38, 1-based): chrX:1,288,851, C>T. VCF-style: chrX-1288851-C-T. GRCh37 (hg19) VCF-style: chrX-1407744-C-T.
Other names: c.436C>T, p.Arg146Cys (NM_001161529.2, NM_001161530.2, NM_001161531.2 and 20 more transcripts); c.37C>T, p.Arg13Cys (NM_001161532.2); short protein forms R146C, R13C.
Identifiers: ClinVar variation 957960 (VCV000957960.5), dbSNP rs202122189, ClinGen allele CA10330808.

ClinVar aggregate classification (germline): Uncertain significance (1 of 4 stars; one submission).

Conditions:
Surfactant metabolism dysfunction, pulmonary, 4 (SMDP4). Also called: PAP DUE TO CSF2RA DEFICIENCY; PULMONARY ALVEOLAR PROTEINOSIS, CONGENITAL, 4; CSF2RA DEFICIENCY. Identifiers: Orphanet 264675, MedGen C2677877, MONDO:0010424, OMIM 300770.

Allele frequency attached by ClinVar (database versions not stated): gnomAD 0.00002 and 0.00004; TOPMed 0.00004; gnomAD exomes 0.00009; 1000 Genomes Project 30x 0.00021; 1000 Genomes Project 0.00026.
gnomAD v4.1: 132 of 1,613,948 alleles (0.0082%); highest among the groups gnomAD compares: Middle Eastern, 0.083%; 1 homozygote.

Submission:

Labcorp Genetics (formerly Invitae), Labcorp
Classification: Uncertain significance for Surfactant metabolism dysfunction, pulmonary, 4. Last evaluated: 2024-11-11. Review status: criteria provided, single submitter. Criteria: Invitae Variant Classification Sherloc (09022015). Collection method: clinical testing. Allele origin: germline.
Comment: This sequence change replaces arginine, which is basic and polar, with cysteine, which is neutral and slightly polar, at codon 146 of the CSF2RA protein (p.Arg146Cys). This variant is present in population databases (no rsID available, gnomAD 0.07%). This variant has not been reported in the literature in individuals affected with CSF2RA-related conditions. ClinVar contains an entry for this variant (Variation ID: 957960). Invitae Evidence Modeling of protein sequence and biophysical properties (such as structural, functional, and spatial information, amino acid conservation, physicochemical variation, residue mobility, and thermodynamic stability) indicates that this missense variant is not expected to disrupt CSF2RA protein function with a negative predictive value of 80%. In summary, the available evidence is currently insufficient to determine the role of this variant in disease. Therefore, it has been classified as a Variant of Uncertain Significance.